The following is an entry in ClinVar:

ClinVar aggregate classification (germline): Uncertain significance (1 of 4 stars; one submission).

Conditions:
Acromesomelic dysplasia 1, Maroteaux type (AMD1). Also called: ST. HELENA DYSPLASIA; ACROMESOMELIC DYSPLASIA 1. Identifiers: Orphanet 40, MedGen C1864356, MONDO:0011275, OMIM 602875.
Tall stature-scoliosis-macrodactyly of the great toes syndrome. Also called: Epiphyseal chondrodysplasia, miura type. Identifiers: Orphanet 329191, MedGen C4014690, MONDO:0014401, OMIM 615923.

Submission:

Labcorp Genetics (formerly Invitae), Labcorp
Classification: Uncertain significance for Tall stature-scoliosis-macrodactyly of the great toes syndrome; Acromesomelic dysplasia 1, Maroteaux type. Last evaluated: 2025-12-02. Review status: criteria provided, single submitter. Criteria: Invitae Variant Classification Sherloc (09022015). Collection method: clinical testing. Allele origin: germline.
Comment: This sequence change falls in intron 6 of the NPR2 gene. It does not directly change the encoded amino acid sequence of the NPR2 protein. This variant is not present in population databases (gnomAD no frequency). This variant has not been reported in the literature in individuals affected with NPR2-related conditions. ClinVar contains an entry for this variant (Variation ID: 3748195). Algorithms developed to predict the effect of sequence changes on RNA splicing suggest that this variant may disrupt the consensus splice site. In summary, the available evidence is currently insufficient to determine the role of this variant in disease. Therefore, it has been classified as a Variant of Uncertain Significance.

NM_003995.4(NPR2):c.1351+8T>G

Gene: NPR2 (natriuretic peptide receptor 2; plus strand). Cytogenetic location: 9p13.3.
Variant type: single nucleotide variant.
Coding change: c.1351+8T>G on transcript NM_003995.4 (MANE Select); 8 bases into the intron after coding-DNA position 1351, T replaced by G.
Molecular consequence: intron variant.
Genome position (GRCh38, 1-based): chr9:35,800,849, T>G. VCF-style: chr9-35800849-T-G. GRCh37 (hg19) VCF-style: chr9-35800846-T-G.
Other names: c.1351+8T>G (NM_001378923.1).
Identifiers: ClinVar variation 3748195 (VCV003748195.2).
Genomic context (GRCh38, chr9:35,800,849, plus strand): 5'-CTCGGACAATCCCCCCTGTGCCTTTGACTTGGACGACCCATCCTGTGATAAAAGTGGGTG[T>G]GTGCAGGGACTGGGAGCAGCTTTCCTCCCTTTGCTTTCCATTCATGGCCTCCACCCTCAC-3'